The following is an entry in ClinVar:

ClinVar aggregate classification (germline): Conflicting classifications of pathogenicity. Review status: criteria provided, conflicting classifications (1 of 4 stars). 4 submissions from 4 submitters: Uncertain significance (1); Likely benign (3). Last evaluated 2025-12-14.

Conditions:
CACNA1C-related disorder. Also called: CACNA1C-related disorders; CACNA1C-related condition. Identifiers: MedGen CN381092, MONDO:0700321.
Long QT syndrome (LQTS). Identifiers: MedGen C0023976, MeSH D008133, MONDO:0002442. Disease mechanism: loss of function. Inheritance: Various modes of inheritance.

Allele frequency attached by ClinVar (database versions not stated): gnomAD 0.00001; gnomAD exomes 0.00001; TOPMed 0.00001.
gnomAD v4.1: 24 of 1,611,832 alleles (0.0015%); highest among the groups gnomAD compares: Middle Eastern, 0.033%; no homozygotes.

Submissions (4):

PreventionGenetics, part of Exact Sciences
Classification: Likely benign for CACNA1C-related condition. Last evaluated: 2025-12-14. Review status: criteria provided, single submitter. Criteria: ACMG Guidelines, 2015. Collection method: clinical testing. Allele origin: germline.
Comment: This variant is classified as likely benign based on ACMG/AMP sequence variant interpretation guidelines (Richards et al. 2015 PMID: 25741868, with internal and published modifications).

Labcorp Genetics (formerly Invitae), Labcorp
Classification: Likely benign for Long QT syndrome. Last evaluated: 2024-11-04. Review status: criteria provided, single submitter. Criteria: Invitae Variant Classification Sherloc (09022015). Collection method: clinical testing. Allele origin: germline.

Blueprint Genetics
Classification: Likely benign. Last evaluated: 2024-07-24. Review status: criteria provided, single submitter. Criteria: ACMG Guidelines, 2015. Collection method: clinical testing. Allele origin: germline.

Eurofins Ntd Llc (ga)
Classification: Uncertain significance. Last evaluated: 2014-07-07. Review status: criteria provided, single submitter. Criteria: EGL Classification Definitions 2015. Collection method: clinical testing. Allele origin: germline. Observed: 1 variant allele, 1 heterozygote.

NM_000719.7(CACNA1C):c.2073C>T (p.Asn691=)

Gene: CACNA1C (calcium voltage-gated channel subunit alpha1 C; plus strand). Cytogenetic location: 12p13.33.
Variant type: single nucleotide variant.
Coding change: c.2073C>T on transcript NM_000719.7 (MANE Select); coding-DNA position 2073, C replaced by T.
Protein change: p.Asn691=; no amino-acid change (asparagine 691 retained).
Molecular consequence: synonymous variant.
Genome position (GRCh38, 1-based): chr12:2,581,767, C>T. VCF-style: chr12-2581767-C-T. GRCh37 (hg19) VCF-style: chr12-2690933-C-T.
Other names: c.2073C>T, p.Asn691= (NM_001129827.2, NM_001129829.2, NM_001129830.3 and 18 more transcripts); c.2064C>T, p.Asn688= (NM_001129844.2); c.2073C>T (NM_000719.6).
Identifiers: ClinVar variation 194341 (VCV000194341.16), dbSNP rs794727117, ClinGen allele CA240246.